The following is an entry in ClinVar:

ClinVar aggregate classification (germline): Pathogenic (1 of 4 stars; one submission).

Conditions:
Ataxia-telangiectasia syndrome (AT). Also called: ATAXIA-TELANGIECTASIA, FRESNO VARIANT; Ataxia-telangiectasia, complementation group E; Ataxia telangiectasia (A-T); Cerebello-oculocutaneous telangiectasia; Immunodeficiency with ataxia telangiectasia; LOUIS-BAR SYNDROME. Identifiers: Orphanet 100, MedGen C0004135, MONDO:0008840, OMIM 208900.

Submission:

Labcorp Genetics (formerly Invitae), Labcorp
Classification: Pathogenic for Ataxia-telangiectasia syndrome. Last evaluated: 2019-09-23. Review status: criteria provided, single submitter. Criteria: Invitae Variant Classification Sherloc (09022015). Collection method: clinical testing. Allele origin: germline.
Comment: For these reasons, this variant has been classified as Pathogenic. Loss-of-function variants in ATM are known to be pathogenic (PMID: 23807571, 25614872). This variant has not been reported in the literature in individuals with ATM-related disease. This variant is not present in population databases (ExAC no frequency). This sequence change creates a premature translational stop signal (p.Asp1693Metfs*21) in the ATM gene. It is expected to result in an absent or disrupted protein product.

Literature cited by the submitters: PubMed 23807571; PubMed 25614872.

NM_000051.4(ATM):c.5076del (p.Asp1693fs)

Gene: ATM (ATM serine/threonine kinase; plus strand). Cytogenetic location: 11q22.3.
Variant type: Deletion.
Coding change: c.5076del on transcript NM_000051.4 (MANE Select); coding-DNA position 5076, one base deleted (A; older notation c.5076delA).
Protein change: p.Asp1693fs; shifts the reading frame from aspartic acid 1693.
Molecular consequence: frameshift variant.
Genome position (GRCh38, 1-based): chr11:108,299,784, A deleted; the last of 3 consecutive A bases (chr11:108,299,782-108,299,784); deleting any one gives the same sequence. VCF-style (leftmost placement, unchanged base first): chr11-108299781-TA-T. GRCh37 (hg19) VCF-style: chr11-108170508-TA-T.
Other names: c.5076delA (NM_000051.3); c.5076del, p.Asp1693fs (NM_001351834.2); short protein forms D1693fs.
Identifiers: ClinVar variation 647714 (VCV000647714.8), dbSNP rs1591702340, ClinGen allele CA915944431.